The following is an entry in ClinVar:

NM_017819.4(TRMT10C):c.28A>G (p.Ser10Gly)

Gene: TRMT10C (tRNA methyltransferase 10C, mitochondrial RNase P subunit; plus strand). Cytogenetic location: 3q12.3.
Variant type: single nucleotide variant.
Coding change: c.28A>G on transcript NM_017819.4 (MANE Select); coding-DNA position 28, A replaced by G.
Protein change: p.Ser10Gly; replaces serine 10 with glycine.
Molecular consequence: missense variant.
Genome position (GRCh38, 1-based): chr3:101,564,809, A>G. VCF-style: chr3-101564809-A-G. GRCh37 (hg19) VCF-style: chr3-101283653-A-G.
Other names: short protein forms S10G.
Identifiers: ClinVar variation 2722726 (VCV002722726.3), dbSNP rs375093939, ClinGen allele CA2520456.

ClinVar aggregate classification (germline): Uncertain significance (1 of 4 stars; one submission).

Allele frequency attached by ClinVar (database versions not stated): ExAC 0.00001; gnomAD exomes 0.00001; gnomAD 0.00007; ESP Exome Variant Server 0.00009; TOPMed 0.00011; 1000 Genomes Project 30x 0.00016; 1000 Genomes Project 0.00020.
gnomAD v4.1: 23 of 1,599,558 alleles (0.0014%); highest among the groups gnomAD compares: African/African-American, 0.023%; no homozygotes.

Submission:

Labcorp Genetics (formerly Invitae), Labcorp
Classification: Uncertain significance. Last evaluated: 2023-03-16. Review status: criteria provided, single submitter. Criteria: Invitae Variant Classification Sherloc (09022015). Collection method: clinical testing. Allele origin: germline.
Comment: This sequence change replaces serine, which is neutral and polar, with glycine, which is neutral and non-polar, at codon 10 of the TRMT10C protein (p.Ser10Gly). This variant has not been reported in the literature in individuals affected with TRMT10C-related conditions. This variant is present in population databases (rs375093939, gnomAD 0.02%). Algorithms developed to predict the effect of missense changes on protein structure and function output the following: SIFT: "Not Available"; PolyPhen-2: "Benign"; Align-GVGD: "Not Available". The glycine amino acid residue is found in multiple mammalian species, which suggests that this missense change does not adversely affect protein function. In summary, the available evidence is currently insufficient to determine the role of this variant in disease. Therefore, it has been classified as a Variant of Uncertain Significance.